The following is an entry in ClinVar:

ClinVar aggregate classification (germline): Uncertain significance (1 of 4 stars; one submission).

Conditions:
Lymphoproliferative syndrome 1 (LPFS1). Identifiers: Orphanet 238505, Orphanet 538963, MedGen C3552634, MONDO:0013081, OMIM 613011.

Allele frequency attached by ClinVar (database versions not stated): gnomAD 0.00001; TOPMed 0.00001.
gnomAD v4.1: 1 of 1,611,438 alleles (0.000062%); highest among the groups gnomAD compares: East Asian, 0.0022%; no homozygotes.

Submission:

Labcorp Genetics (formerly Invitae), Labcorp
Classification: Uncertain significance for Lymphoproliferative syndrome 1. Last evaluated: 2022-08-22. Review status: criteria provided, single submitter. Criteria: Invitae Variant Classification Sherloc (09022015). Collection method: clinical testing. Allele origin: germline.
Comment: In summary, the available evidence is currently insufficient to determine the role of this variant in disease. Therefore, it has been classified as a Variant of Uncertain Significance. Advanced modeling of protein sequence and biophysical properties (such as structural, functional, and spatial information, amino acid conservation, physicochemical variation, residue mobility, and thermodynamic stability) performed at Invitae indicates that this missense variant is not expected to disrupt ITK protein function. This variant has not been reported in the literature in individuals affected with ITK-related conditions. This variant is not present in population databases (gnomAD no frequency). This sequence change replaces asparagine, which is neutral and polar, with histidine, which is basic and polar, at codon 114 of the ITK protein (p.Asn114His).

NM_005546.4(ITK):c.340A>C (p.Asn114His)

Gene: ITK (IL2 inducible T cell kinase; plus strand). Cytogenetic location: 5q33.3.
Variant type: single nucleotide variant.
Coding change: c.340A>C on transcript NM_005546.4 (MANE Select); coding-DNA position 340, A replaced by C.
Protein change: p.Asn114His; replaces asparagine 114 with histidine.
Molecular consequence: missense variant.
Genome position (GRCh38, 1-based): chr5:157,214,205, A>C. VCF-style: chr5-157214205-A-C. GRCh37 (hg19) VCF-style: chr5-156641216-A-C.
Other names: short protein forms N114H.
Identifiers: ClinVar variation 2176588 (VCV002176588.4), dbSNP rs1204901741, ClinGen allele CA361950861.